The following is an entry in ClinVar:

ClinVar aggregate classification (germline): Pathogenic. Review status: criteria provided, multiple submitters, no conflicts (2 of 4 stars). 2 submissions from 2 submitters: Pathogenic (2). Last evaluated 2019-03-16.

Conditions:
Developmental and epileptic encephalopathy, 9 (DEE9). Also called: EPILEPSY, FEMALE-RESTRICTED, WITH MENTAL RETARDATION; Early infantile epileptic encephalopathy 9; PCDH19-Related X-Linked Female-Limited Epilepsy with Mental Retardation; JUBERG-HELLMAN SYNDROME. Identifiers: Orphanet 101039, Orphanet 2076, MedGen C1848137, MONDO:0010246, OMIM 300088. Disease mechanism: loss of function.

Submissions (2):

Labcorp Genetics (formerly Invitae), Labcorp
Classification: Pathogenic for Developmental and epileptic encephalopathy, 9. Last evaluated: 2019-03-16. Review status: criteria provided, single submitter. Criteria: Invitae Variant Classification Sherloc (09022015). Collection method: clinical testing. Allele origin: germline.
Comment: This variant is not present in population databases (ExAC no frequency). For these reasons, this variant has been classified as Pathogenic. Loss-of-function variants in PCDH19 are known to be pathogenic (PMID: 21053371). This variant has not been reported in the literature in individuals with PCDH19-related disease. ClinVar contains an entry for this variant (Variation ID: 206351). This sequence change creates a premature translational stop signal (p.Glu354Leufs*13) in the PCDH19 gene. It is expected to result in an absent or disrupted protein product.

GeneDx
Classification: Pathogenic. Last evaluated: 2012-06-11. Review status: criteria provided, single submitter. Criteria: GeneDx Variant Classification (06012015). Collection method: clinical testing. Allele origin: germline. Affected: yes.
Comment: This variant is denoted c.1059_1062delTGAG: p.Glu354LeufsX13 (p.E354LfsX13) in exon 1 of the PCDH19 gene (NM_001105243.1). The c.1059_1062delTGAG mutation in the PCDH19 gene causes a frameshift starting with codon Glutamic acid 354, changes this amino acid to a Leucine residue and creates a premature Stop codon at position 13 of the new reading frame, denoted p.Glu354LeufsX13. This mutation is predicted to cause loss of normal protein function either through protein truncation or nonsense-mediated mRNA decay. Although this mutation has not been previously reported to our knowledge, its presence is consistent with a diagnosis of epilepsy and mental retardation limited to females (EFMR). The variant is found in CHILD-EPI panel(s).

Literature cited by the submitters: PubMed 21053371 (cited by Labcorp Genetics (formerly Invitae), Labcorp).

NM_001184880.2(PCDH19):c.1059_1062del (p.Glu354fs)

Gene: PCDH19 (protocadherin 19; minus strand). Cytogenetic location: Xq22.1.
Variant type: Deletion.
Coding change: c.1059_1062del on transcript NM_001184880.2 (MANE Select); coding-DNA positions 1059 to 1062, 4 bases deleted (TGAG; older notation c.1059_1062delTGAG).
Protein change: p.Glu354fs; shifts the reading frame from glutamic acid 354.
Molecular consequence: frameshift variant.
Genome position (GRCh38, 1-based): chrX:100,407,536-100,407,539, CTCA deleted on the plus strand (TGAG on the coding strand, the reverse complement: PCDH19 is on the minus strand); deleting any 4 consecutive bases within chrX:100,407,536-100,407,541 gives the same sequence; the c. name uses the placement nearest the transcript's 3' end. VCF-style (leftmost placement, unchanged base first): chrX-100407535-GCTCA-G. GRCh37 (hg19) VCF-style: chrX-99662533-GCTCA-G.
Other names: c.1059_1062del, p.Glu354fs (NM_001105243.2, NM_020766.3); short protein forms E354fs.
Identifiers: ClinVar variation 206351 (VCV000206351.9), dbSNP rs796052828, ClinGen allele CA316401.